The following is an entry in ClinVar:

ClinVar aggregate classification (germline): Uncertain significance (1 of 4 stars; one submission).

Conditions:
Chédiak-Higashi syndrome (CHS). Also called: Chediak-Higashi Syndrome. Identifiers: Orphanet 167, MedGen C0007965, MONDO:0008963, OMIM 214500.

Allele frequency attached by ClinVar (database versions not stated): gnomAD exomes below 0.00001.
gnomAD v4.1: 3 of 1,613,642 alleles (0.00019%); highest among the groups gnomAD compares: Admixed American, 0.0017%; no homozygotes.

Submission:

Labcorp Genetics (formerly Invitae), Labcorp
Classification: Uncertain significance for Chédiak-Higashi syndrome. Last evaluated: 2024-02-29. Review status: criteria provided, single submitter. Criteria: Invitae Variant Classification Sherloc (09022015). Collection method: clinical testing. Allele origin: germline.
Comment: This sequence change replaces histidine, which is basic and polar, with tyrosine, which is neutral and polar, at codon 1948 of the LYST protein (p.His1948Tyr). This variant is present in population databases (no rsID available, gnomAD 0.003%). This variant has not been reported in the literature in individuals affected with LYST-related conditions. ClinVar contains an entry for this variant (Variation ID: 1991590). Advanced modeling of protein sequence and biophysical properties (such as structural, functional, and spatial information, amino acid conservation, physicochemical variation, residue mobility, and thermodynamic stability) performed at Invitae indicates that this missense variant is not expected to disrupt LYST protein function with a negative predictive value of 80%. In summary, the available evidence is currently insufficient to determine the role of this variant in disease. Therefore, it has been classified as a Variant of Uncertain Significance.

NM_000081.4(LYST):c.5842C>T (p.His1948Tyr)

Gene: LYST (lysosomal trafficking regulator; minus strand). Cytogenetic location: 1q42.3.
Variant type: single nucleotide variant.
Coding change: c.5842C>T on transcript NM_000081.4 (MANE Select); coding-DNA position 5842, C replaced by T.
Protein change: p.His1948Tyr; replaces histidine 1948 with tyrosine.
Molecular consequence: missense variant.
Genome position (GRCh38, 1-based): chr1:235,770,240, G>A on the plus strand (C>T on the coding strand, the complement: LYST is on the minus strand). VCF-style: chr1-235770240-G-A. GRCh37 (hg19) VCF-style: chr1-235933540-G-A.
Other names: c.5842C>T, p.His1948Tyr (NM_001301365.1); short protein forms H1948Y.
Identifiers: ClinVar variation 1991590 (VCV001991590.3), dbSNP rs1397140477, ClinGen allele CA344949928.